The following is an entry in ClinVar:

NM_000718.4(CACNA1B):c.728_731dup (p.Phe244fs)

Gene: CACNA1B (calcium voltage-gated channel subunit alpha1 B; plus strand). Cytogenetic location: 9q34.3.
Variant type: Duplication.
Coding change: c.728_731dup on transcript NM_000718.4 (MANE Select); coding-DNA positions 728 to 731, 4 bases duplicated (AGTT; older notation c.728_731dupAGTT).
Protein change: p.Phe244fs; shifts the reading frame from phenylalanine 244.
Molecular consequence: frameshift variant.
Genome position (GRCh38, 1-based): chr9:137,914,759-137,914,762, AGTT duplicated. VCF-style (leftmost placement, unchanged base first): chr9-137914758-G-GAGTT. GRCh37 (hg19) VCF-style: chr9-140809210-G-GAGTT.
Other names: c.728_731dup, p.Phe244fs (NM_001243812.2); short protein forms F244fs.
Identifiers: ClinVar variation 4823386 (VCV004823386.4).
Genomic context (GRCh38, chr9:137,914,758, plus strand): 5'-CTCCTGCAGATTGGGCTGCTTCTCTTCTTTGCCATCCTCATGTTTGCCATCATTGGCCTG[G>GAGTT]AGTTCTACATGGGCAAGTTCCACAAGGCCTGTTTCCCCAACAGCACAGGTGAGGCCAGGC-3'

ClinVar aggregate classification (germline): Pathogenic (1 of 4 stars; one submission).

Submission:

CeGaT Center for Human Genetics Tuebingen
Classification: Pathogenic. Last evaluated: 2026-02-01. Review status: criteria provided, single submitter. Criteria: CeGaT Center For Human Genetics Tuebingen Variant Classification Criteria Version 2. Collection method: clinical testing. Allele origin: germline. Affected: yes. Observed: 1 variant allele.
Comment: CACNA1B: PVS1, PM2